The following is an entry in ClinVar:

ClinVar aggregate classification (germline): Uncertain significance (1 of 4 stars; one submission).

gnomAD v4.1: 12 of 1,606,772 alleles (0.00075%); highest among the groups gnomAD compares: Admixed American, 0.02%; no homozygotes.

Submission:

Women's Health and Genetics/Laboratory Corporation of America, LabCorp
Classification: Uncertain significance. Last evaluated: 2025-11-11. Review status: criteria provided, single submitter. Criteria: LabCorp Variant Classification Summary - May 2015. Collection method: clinical testing. Allele origin: germline.
Comment: Variant summary: RBPJ c.*16T>G is located in the untranslated mRNA region downstream of the termination codon. The variant allele was found at a frequency of 4e-05 in 248128 control chromosomes. This frequency is not significantly higher than estimated for disease-causing variants in RBPJ, allowing no conclusion about variant significance. To our knowledge, no occurrence of c.*16T>G in individuals affected with RBPJ-related conditions and no experimental evidence demonstrating its impact on protein function have been reported. No submitters have cited clinical-significance assessments for this variant to ClinVar. Based on the evidence outlined above, the variant was classified as uncertain significance.

NM_015874.6(RBPJ):c.*16T>G

Gene: RBPJ (recombination signal binding protein for immunoglobulin kappa J region; plus strand). Cytogenetic location: 4p15.2.
Variant type: single nucleotide variant.
Coding change: c.*16T>G on transcript NM_015874.6 (MANE Select); 16 bases downstream of the stop codon, T replaced by G.
Molecular consequence: 3 prime UTR variant.
Genome position (GRCh38, 1-based): chr4:26,431,023, T>G. VCF-style: chr4-26431023-T-G. GRCh37 (hg19) VCF-style: chr4-26432645-T-G.
Other names: c.*16T>G (NM_001379408.1, NM_001379409.1, NM_005349.4 and 9 more transcripts).
Identifiers: ClinVar variation 4536854 (VCV004536854.1).